The following is an entry in ClinVar:

NM_004698.4(PRPF3):c.1985A>G (p.Lys662Arg)

Gene: PRPF3 (pre-mRNA processing factor 3; plus strand). Cytogenetic location: 1q21.2.
Variant type: single nucleotide variant.
Coding change: c.1985A>G on transcript NM_004698.4 (MANE Select); coding-DNA position 1985, A replaced by G.
Protein change: p.Lys662Arg; replaces lysine 662 with arginine.
Molecular consequence: missense variant. On other transcripts: non-coding transcript variant (4).
Genome position (GRCh38, 1-based): chr1:150,352,912, A>G. VCF-style: chr1-150352912-A-G. GRCh37 (hg19) VCF-style: chr1-150325388-A-G.
Other names: c.1580A>G, p.Lys527Arg (NM_001350529.1); c.1985A>G (NM_004698.2); short protein forms K662R, K527R.
Identifiers: ClinVar variation 1418001 (VCV001418001.9), dbSNP rs782229642, ClinGen allele CA1075755.
Genomic context (GRCh38, chr1:150,352,912, plus strand): 5'-GCTTTGGAGAGATGAAGTTTAAACAGTGTCCTACAGAGAACATGGCTCGTGAGCATTTCA[A>G]AAAGCATGGGGCTGAACACTACTGGGACCTTGCGCTGAGTGAATCTGTGTTAGAGTCCAC-3'
Protein context (NP_004689.1, residues 652-672): PTENMAREHF[Lys662Arg]KHGAEHYWDL

ClinVar aggregate classification (germline): Uncertain significance. Review status: criteria provided, multiple submitters, no conflicts (2 of 4 stars). 4 submissions from 4 submitters: Uncertain significance (3). 1 of the submissions does not count toward it. Last evaluated 2025-08-01.

Conditions:
Inborn genetic diseases. Identifiers: MedGen C0950123, MeSH D030342.
PRPF3-related disorder. Also called: PRPF3-related condition.
Retinal dystrophy. Also called: Inherited retinal dystrophy. Identifiers: Orphanet 71862, MedGen C0854723, MeSH D058499, MONDO:0019118, HP:0000556.

Allele frequency attached by ClinVar (database versions not stated): ExAC 0.00002; gnomAD exomes 0.00002; gnomAD 0.00003; TOPMed 0.00006.
gnomAD v4.1: 37 of 1,614,104 alleles (0.0023%); highest among the groups gnomAD compares: South Asian, 0.0055%; no homozygotes.

Submissions (4):

PreventionGenetics, part of Exact Sciences
Classification: Uncertain significance for PRPF3-related condition. Last evaluated: 2025-08-01. Review status: criteria provided, single submitter. Criteria: ACMG Guidelines, 2015. Collection method: clinical testing. Allele origin: germline.
Comment: The PRPF3 c.1985A>G variant is predicted to result in the amino acid substitution p.Lys662Arg. To our knowledge, this variant has not been reported in the literature. This variant is reported in 0.0065% of alleles in individuals of South Asian descent in gnomAD. At this time, the clinical significance of this variant is uncertain due to the absence of conclusive functional and genetic evidence.

Labcorp Genetics (formerly Invitae), Labcorp
Classification: Uncertain significance. Last evaluated: 2025-02-13. Review status: criteria provided, single submitter. Criteria: Invitae Variant Classification Sherloc (09022015). Collection method: clinical testing. Allele origin: germline.
Comment: This sequence change replaces lysine, which is basic and polar, with arginine, which is basic and polar, at codon 662 of the PRPF3 protein (p.Lys662Arg). This variant is present in population databases (rs782229642, gnomAD 0.006%). This variant has not been reported in the literature in individuals affected with PRPF3-related conditions. ClinVar contains an entry for this variant (Variation ID: 1418001). Invitae Evidence Modeling of protein sequence and biophysical properties (such as structural, functional, and spatial information, amino acid conservation, physicochemical variation, residue mobility, and thermodynamic stability) indicates that this missense variant is not expected to disrupt PRPF3 protein function with a negative predictive value of 95%. In summary, the available evidence is currently insufficient to determine the role of this variant in disease. Therefore, it has been classified as a Variant of Uncertain Significance.

Ambry Genetics
Classification: Uncertain significance for Inborn genetic diseases. Last evaluated: 2024-10-09. Review status: criteria provided, single submitter. Criteria: Ambry Variant Classification Scheme 2023. Collection method: clinical testing. Allele origin: germline.

Institute of Human Genetics, Univ. Regensburg, Univ. Regensburg
Classification: Uncertain significance for Retinal dystrophy. Last evaluated: 2020-01-01. Review status: no assertion criteria provided. Criteria: ACMG Guidelines, 2015. Collection method: clinical testing. Allele origin: germline. Affected: yes. Not counted in ClinVar's aggregate classification.